The following is an entry in ClinVar:

NM_000836.4(GRIN2D):c.2023G>C (p.Ala675Pro)

Gene: GRIN2D (glutamate ionotropic receptor NMDA type subunit 2D; plus strand). Cytogenetic location: 19q13.33.
Variant type: single nucleotide variant.
Coding change: c.2023G>C on transcript NM_000836.4 (MANE Select); coding-DNA position 2023, G replaced by C.
Protein change: p.Ala675Pro; replaces alanine 675 with proline.
Molecular consequence: missense variant.
Genome position (GRCh38, 1-based): chr19:48,419,746, G>C. VCF-style: chr19-48419746-G-C. GRCh37 (hg19) VCF-style: chr19-48923003-G-C.
Other names: short protein forms A675P.
Identifiers: ClinVar variation 1471585 (VCV001471585.8), dbSNP rs1970995171, ClinGen allele CA406698305.
Genomic context (GRCh38, chr19:48,419,746, plus strand): 5'-AGCAAAATCATGGTGCTGGTGTGGGCCTTCTTCGCCGTCATCTTCCTCGCCAGCTACACA[G>C]CCAACCTGGCCGCCTTCATGATCCAGGAGGAGTACGTGGATACTGTGTCTGGGCTCAGTG-3'
Protein context (NP_000827.2, residues 665-685): FAVIFLASYT[Ala675Pro]NLAAFMIQEE

ClinVar aggregate classification (germline): Uncertain significance (1 of 4 stars; one submission).

Submission:

Labcorp Genetics (formerly Invitae), Labcorp
Classification: Uncertain significance. Last evaluated: 2021-04-28. Review status: criteria provided, single submitter. Criteria: Invitae Variant Classification Sherloc (09022015). Collection method: clinical testing. Allele origin: germline.
Comment: In summary, the available evidence is currently insufficient to determine the role of this variant in disease. Therefore, it has been classified as a Variant of Uncertain Significance. This variant disrupts the p.Ala675 amino acid residue in GRIN2D. Other variant(s) that disrupt this residue have been observed in individuals with GRIN2D-related conditions (PMID: 31504254), which suggests that this may be a clinically significant amino acid residue. Advanced modeling of protein sequence and biophysical properties (such as structural, functional, and spatial information, amino acid conservation, physicochemical variation, residue mobility, and thermodynamic stability) performed at Invitae indicates that this missense variant is expected to disrupt GRIN2D protein function. This variant has been observed in individual(s) with clinical features of developmental and epileptic encephalopathy (Invitae). This variant is not present in population databases (ExAC no frequency). This sequence change replaces alanine with proline at codon 675 of the GRIN2D protein (p.Ala675Pro). The alanine residue is highly conserved and there is a small physicochemical difference between alanine and proline.

Literature cited by the submitters: PubMed 31504254.